The following is an entry in ClinVar:

ClinVar aggregate classification (germline): Likely benign. Review status: criteria provided, multiple submitters, no conflicts (2 of 4 stars). 3 submissions from 3 submitters: Likely benign (3). Last evaluated 2025-08-01.

Allele frequency attached by ClinVar (database versions not stated): ExAC 0.00008; gnomAD 0.00013 and 0.00014; TOPMed 0.00015.
gnomAD v4.1: 275 of 1,534,506 alleles (0.018%); highest among the groups gnomAD compares: Non-Finnish European, 0.023%; no homozygotes.

Submissions (3):

CeGaT Center for Human Genetics Tuebingen
Classification: Likely benign. Last evaluated: 2025-08-01. Review status: criteria provided, single submitter. Criteria: CeGaT Center For Human Genetics Tuebingen Variant Classification Criteria Version 2. Collection method: clinical testing. Allele origin: germline. Affected: yes. Observed: 4 variant alleles.
Comment: ARMC9: BP4, BP7

Labcorp Genetics (formerly Invitae), Labcorp
Classification: Likely benign. Last evaluated: 2025-06-14. Review status: criteria provided, single submitter. Criteria: Invitae Variant Classification Sherloc (09022015). Collection method: clinical testing. Allele origin: germline.

Blueprint Genetics
Classification: Likely benign. Last evaluated: 2024-09-24. Review status: criteria provided, single submitter. Criteria: ACMG Guidelines, 2015. Collection method: clinical testing. Allele origin: germline.

NM_001352754.2(ARMC9):c.2397C>G (p.Arg799=)

Gene: ARMC9 (armadillo repeat containing 9; plus strand). Cytogenetic location: 2q37.1.
Variant type: single nucleotide variant.
Coding change: c.2397C>G on transcript NM_001352754.2 (MANE Select); coding-DNA position 2397, C replaced by G.
Protein change: p.Arg799=; no amino-acid change (arginine 799 retained).
Molecular consequence: synonymous variant.
Genome position (GRCh38, 1-based): chr2:231,370,088, C>G. VCF-style: chr2-231370088-C-G. GRCh37 (hg19) VCF-style: chr2-232234799-C-G.
Other names: c.2397C>G, p.Arg799= (NM_001271466.4).
Identifiers: ClinVar variation 755126 (VCV000755126.33), dbSNP rs370797284, ClinGen allele CA2160607.
Genomic context (GRCh38, chr2:231,370,088, plus strand): 5'-GGCAAAGGCGTCAGTTCTGGCCCCTCTGTTCTCTTCGTGTGGCCCCCAGCAGGCCAGCCG[C>G]CCCGGCTCCACAGCGTCCTCCACAAGGGGCCTGCCGAGTAAGTCAGCCTGGGCCCCACTG-3'
Protein context (NP_001339683.2, residues 789-809): FSSCGPQQAS[Arg799=]PGSTASSTRG